The following is an entry in ClinVar:

ClinVar aggregate classification (germline): Uncertain significance (1 of 4 stars; one submission).

Allele frequency attached by ClinVar (database versions not stated): TOPMed below 0.00001; gnomAD exomes 0.00001; ExAC 0.00002; ESP Exome Variant Server 0.00008; 1000 Genomes Project 30x 0.00016; 1000 Genomes Project 0.00020.
gnomAD v4.1: 20 of 1,607,558 alleles (0.0012%); highest among the groups gnomAD compares: East Asian, 0.02%; no homozygotes.

Submission:

Labcorp Genetics (formerly Invitae), Labcorp
Classification: Uncertain significance. Last evaluated: 2024-02-06. Review status: criteria provided, single submitter. Criteria: Invitae Variant Classification Sherloc (09022015). Collection method: clinical testing. Allele origin: germline.
Comment: This sequence change replaces threonine, which is neutral and polar, with isoleucine, which is neutral and non-polar, at codon 612 of the GUF1 protein (p.Thr612Ile). This variant is present in population databases (rs370862959, gnomAD 0.03%). This variant has not been reported in the literature in individuals affected with GUF1-related conditions. An algorithm developed to predict the effect of missense changes on protein structure and function (PolyPhen-2) suggests that this variant is likely to be disruptive. In summary, the available evidence is currently insufficient to determine the role of this variant in disease. Therefore, it has been classified as a Variant of Uncertain Significance.

NM_021927.3(GUF1):c.1835C>T (p.Thr612Ile)

Gene: GUF1 (GTP binding elongation factor GUF1; plus strand). Cytogenetic location: 4p12.
Variant type: single nucleotide variant.
Coding change: c.1835C>T on transcript NM_021927.3 (MANE Select); coding-DNA position 1835, C replaced by T.
Protein change: p.Thr612Ile; replaces threonine 612 with isoleucine.
Molecular consequence: missense variant. On other transcripts: intron variant (1).
Genome position (GRCh38, 1-based): chr4:44,695,734, C>T. VCF-style: chr4-44695734-C-T. GRCh37 (hg19) VCF-style: chr4-44697751-C-T.
Other names: c.863C>T, p.Thr288Ile (NM_001345867.2, NM_001345869.2); c.1715+1221C>T (NM_001345868.2); short protein forms T612I, T288I.
Identifiers: ClinVar variation 2999185 (VCV002999185.3), dbSNP rs370862959, ClinGen allele CA2905762.
Genomic context (GRCh38, chr4:44,695,734, plus strand): 5'-GGCAACTGTTTGAGATAGCAATTCAAGCTGCTATTGGAAGTAAAATCATTGCAAGAGAAA[C>T]GTGAGTTGAAATTCATTTTTGGTCTTGAGCCAGTTTCAGAAATGATATACCTAAAAAGTG-3'
Protein context (NP_068746.2, residues 602-622): AIGSKIIARE[Thr612Ile]VKAYRKNVLA